The following is an entry in ClinVar:

NM_000492.4(CFTR):c.4142A>T (p.Tyr1381Phe)

Gene: CFTR (CF transmembrane conductance regulator; plus strand). Cytogenetic location: 7q31.2.
Variant type: single nucleotide variant.
Coding change: c.4142A>T on transcript NM_000492.4 (MANE Select); coding-DNA position 4142, A replaced by T.
Protein change: p.Tyr1381Phe; replaces tyrosine 1381 with phenylalanine.
Molecular consequence: missense variant.
Genome position (GRCh38, 1-based): chr7:117,665,464, A>T. VCF-style: chr7-117665464-A-T. GRCh37 (hg19) VCF-style: chr7-117305518-A-T.
Other names: short protein forms Y1381F.
Identifiers: ClinVar variation 2050919 (VCV002050919.4), dbSNP rs776388660, ClinGen allele CA368983326.

ClinVar aggregate classification (germline): Uncertain significance (1 of 4 stars; one submission).

Conditions:
Cystic fibrosis (CF). Also called: MUCOVISCIDOSIS. Identifiers: Orphanet 586, MedGen C0010674, MONDO:0009061, OMIM 219700. Disease mechanism: loss of function.

Submission:

Labcorp Genetics (formerly Invitae), Labcorp
Classification: Uncertain significance for Cystic fibrosis. Last evaluated: 2022-01-15. Review status: criteria provided, single submitter. Criteria: Invitae Variant Classification Sherloc (09022015). Collection method: clinical testing. Allele origin: germline.
Comment: Algorithms developed to predict the effect of missense changes on protein structure and function (SIFT, PolyPhen-2, Align-GVGD) all suggest that this variant is likely to be tolerated. This variant has not been reported in the literature in individuals affected with CFTR-related conditions. This variant is not present in population databases (gnomAD no frequency). This sequence change replaces tyrosine, which is neutral and polar, with phenylalanine, which is neutral and non-polar, at codon 1381 of the CFTR protein (p.Tyr1381Phe). In summary, the available evidence is currently insufficient to determine the role of this variant in disease. Therefore, it has been classified as a Variant of Uncertain Significance.